The following is an entry in ClinVar:

NM_212482.4(FN1):c.5624T>A (p.Val1875Glu)

Gene: FN1 (fibronectin 1; minus strand). Cytogenetic location: 2q35.
Variant type: single nucleotide variant.
Coding change: c.5624T>A on transcript NM_212482.4 (MANE Select); coding-DNA position 5624, T replaced by A.
Protein change: p.Val1875Glu; replaces valine 1875 with glutamic acid.
Molecular consequence: missense variant.
Genome position (GRCh38, 1-based): chr2:215,378,261, A>T on the plus strand (T>A on the coding strand, the complement: FN1 is on the minus strand). VCF-style: chr2-215378261-A-T. GRCh37 (hg19) VCF-style: chr2-216242984-A-T.
Other names: c.5624T>A, p.Val1875Glu (NM_001306129.2); c.5354T>A, p.Val1785Glu (NM_001306130.2, NM_001365517.2, NM_001365519.2 and 2 more transcripts); c.5081T>A, p.Val1694Glu (NM_001306131.2, NM_001306132.2, NM_001365523.2 and 2 more transcripts); c.5351T>A, p.Val1784Glu (NM_001365518.2, NM_001365520.2, NM_001365524.2 and 2 more transcripts); short protein forms V1875E, V1785E, V1784E, V1694E.
Identifiers: ClinVar variation 1446909 (VCV001446909.6), dbSNP rs746188265, ClinGen allele CA2094072.

ClinVar aggregate classification (germline): Uncertain significance (1 of 4 stars; one submission).

Allele frequency attached by ClinVar (database versions not stated): TOPMed below 0.00001; ExAC 0.00001; gnomAD exomes 0.00001 and 0.00002.

Submission:

Labcorp Genetics (formerly Invitae), Labcorp
Classification: Uncertain significance. Last evaluated: 2025-10-03. Review status: criteria provided, single submitter. Criteria: Invitae Variant Classification Sherloc (09022015). Collection method: clinical testing. Allele origin: germline.
Comment: This sequence change replaces valine, which is neutral and non-polar, with glutamic acid, which is acidic and polar, at codon 1875 of the FN1 protein (p.Val1875Glu). This variant is present in population databases (rs746188265, gnomAD 0.02%). This variant has not been reported in the literature in individuals affected with FN1-related conditions. ClinVar contains an entry for this variant (Variation ID: 1446909). An algorithm developed to predict the effect of missense changes on protein structure and function (PolyPhen-2) suggests that this variant is likely to be disruptive. In summary, the available evidence is currently insufficient to determine the role of this variant in disease. Therefore, it has been classified as a Variant of Uncertain Significance.